The following is an entry in ClinVar:

ClinVar aggregate classification (germline): Conflicting classifications of pathogenicity. Review status: criteria provided, conflicting classifications (1 of 4 stars). 2 submissions from 2 submitters: Uncertain significance (1); Likely benign (1). Last evaluated 2024-05-17.

Conditions:
Cardiovascular phenotype. Identifiers: MedGen CN230736.
Alstrom syndrome (ALMS). Identifiers: Orphanet 64, MedGen C0268425, MONDO:0008763, OMIM 203800.

Allele frequency attached by ClinVar (database versions not stated): ExAC 0.00001; gnomAD 0.00001; TOPMed 0.00001.
gnomAD v4.1: 3 of 1,613,812 alleles (0.00019%); highest among the groups gnomAD compares: African/African-American, 0.0027%; no homozygotes.

Submissions (2):

Ambry Genetics
Classification: Likely benign for Cardiovascular phenotype. Last evaluated: 2024-05-17. Review status: criteria provided, single submitter. Criteria: Ambry Variant Classification Scheme 2023. Collection method: clinical testing. Allele origin: germline.

Labcorp Genetics (formerly Invitae), Labcorp
Classification: Uncertain significance for Alstrom syndrome. Last evaluated: 2023-12-06. Review status: criteria provided, single submitter. Criteria: Invitae Variant Classification Sherloc (09022015). Collection method: clinical testing. Allele origin: germline.
Comment: This sequence change replaces glutamic acid, which is acidic and polar, with lysine, which is basic and polar, at codon 657 of the ALMS1 protein (p.Glu657Lys). This variant is present in population databases (rs773971557, gnomAD 0.01%). This variant has not been reported in the literature in individuals affected with ALMS1-related conditions. ClinVar contains an entry for this variant (Variation ID: 1783567). Experimental studies and prediction algorithms are not available or were not evaluated, and the functional significance of this variant is currently unknown. In summary, the available evidence is currently insufficient to determine the role of this variant in disease. Therefore, it has been classified as a Variant of Uncertain Significance.

NM_001378454.1(ALMS1):c.1966G>A (p.Glu656Lys)

Gene: ALMS1 (ALMS1 centrosome and basal body associated protein; plus strand). Cytogenetic location: 2p13.1.
Variant type: single nucleotide variant.
Coding change: c.1966G>A on transcript NM_001378454.1 (MANE Select); coding-DNA position 1966, G replaced by A.
Protein change: p.Glu656Lys; replaces glutamic acid 656 with lysine.
Molecular consequence: missense variant.
Genome position (GRCh38, 1-based): chr2:73,448,493, G>A. VCF-style: chr2-73448493-G-A. GRCh37 (hg19) VCF-style: chr2-73675620-G-A.
Other names: c.1969G>A, p.Glu657Lys (NM_015120.4); short protein forms E656K, E657K.
Identifiers: ClinVar variation 1783567 (VCV001783567.6), dbSNP rs773971557, ClinGen allele CA1713247.